The following is an entry in ClinVar:

NM_001103.4(ACTN2):c.509A>T (p.Asn170Ile)

Gene: ACTN2 (actinin alpha 2; plus strand). Cytogenetic location: 1q43.
Variant type: single nucleotide variant.
Coding change: c.509A>T on transcript NM_001103.4 (MANE Select); coding-DNA position 509, A replaced by T.
Protein change: p.Asn170Ile; replaces asparagine 170 with isoleucine.
Molecular consequence: missense variant. On other transcripts: non-coding transcript variant (1).
Genome position (GRCh38, 1-based): chr1:236,725,993, A>T. VCF-style: chr1-236725993-A-T. GRCh37 (hg19) VCF-style: chr1-236889293-A-T.
Other names: c.509A>T, p.Asn170Ile (NM_001278343.2); short protein forms N170I.
Identifiers: ClinVar variation 5002410 (VCV005002410.1).
Genomic context (GRCh38, chr1:236,725,993, plus strand): 5'-AAACATCTGCCAAAGAAGGTCTGCTGCTTTGGTGTCAGAGGAAAACTGCTCCTTATAGAA[A>T]TGTGAACATTCAGAACTTCCATACTAGGTGAGCACCCAGGGCCCCTGGTCCTTGTATTCT-3'
Protein context (NP_001094.1, residues 160-180): WCQRKTAPYR[Asn170Ile]VNIQNFHTSW

ClinVar aggregate classification (germline): Uncertain significance (1 of 4 stars; one submission).

Conditions:
ACTN2-related disorder. Also called: ACTN2 related condition; ACTN2-related disorders.

gnomAD v4.1: 2 of 1,614,194 alleles (0.00012%); highest among the groups gnomAD compares: South Asian, 0.0022%; no homozygotes.

Submission:

PreventionGenetics, part of Exact Sciences
Classification: Uncertain significance for ACTN2-related condition. Last evaluated: 2025-05-09. Review status: criteria provided, single submitter. Criteria: ACMG Guidelines, 2015. Collection method: clinical testing. Allele origin: germline.
Comment: The ACTN2 c.509A>T variant is predicted to result in the amino acid substitution p.Asn170Ile. To our knowledge, this variant has not been reported in the literature. This variant is reported in 0.0065% of alleles in individuals of South Asian descent in gnomAD. At this time, the clinical significance of this variant is uncertain due to the absence of conclusive functional and genetic evidence.